The following is an entry in ClinVar:

ClinVar aggregate classification (germline): Uncertain significance (1 of 4 stars; one submission).

Conditions:
Chédiak-Higashi syndrome (CHS). Also called: Chediak-Higashi Syndrome. Identifiers: Orphanet 167, MedGen C0007965, MONDO:0008963, OMIM 214500.

Allele frequency attached by ClinVar (database versions not stated): gnomAD exomes 0.00001.
gnomAD v4.1: 17 of 1,613,216 alleles (0.0011%); highest among the groups gnomAD compares: East Asian, 0.0067%; no homozygotes.

Submission:

Labcorp Genetics (formerly Invitae), Labcorp
Classification: Uncertain significance for Chédiak-Higashi syndrome. Last evaluated: 2021-08-31. Review status: criteria provided, single submitter. Criteria: Invitae Variant Classification Sherloc (09022015). Collection method: clinical testing. Allele origin: germline.
Comment: This sequence change replaces arginine with cysteine at codon 3315 of the LYST protein (p.Arg3315Cys). The arginine residue is moderately conserved and there is a large physicochemical difference between arginine and cysteine. This variant is not present in population databases (ExAC no frequency). This variant has not been reported in the literature in individuals affected with LYST-related conditions. Algorithms developed to predict the effect of missense changes on protein structure and function are either unavailable or do not agree on the potential impact of this missense change (SIFT: "Deleterious"; PolyPhen-2: "Probably Damaging"; Align-GVGD: "Class C0"). In summary, the available evidence is currently insufficient to determine the role of this variant in disease. Therefore, it has been classified as a Variant of Uncertain Significance.

NM_000081.4(LYST):c.9943C>T (p.Arg3315Cys)

Genes: LYST (lysosomal trafficking regulator; minus strand), LOC126806063 (MED14-independent group 3 enhancer GRCh37_chr1:235871544-235872743; plus strand). Cytogenetic location: 1q42.3.
Variant type: single nucleotide variant.
Coding change: c.9943C>T on transcript NM_000081.4 (MANE Select); coding-DNA position 9943, C replaced by T.
Protein change: p.Arg3315Cys; replaces arginine 3315 with cysteine.
Molecular consequence: missense variant.
Genome position (GRCh38, 1-based): chr1:235,709,291, G>A on the plus strand (C>T on the coding strand, the complement: LYST is on the minus strand). VCF-style: chr1-235709291-G-A. GRCh37 (hg19) VCF-style: chr1-235872591-G-A.
Other names: c.9943C>T, p.Arg3315Cys (NM_001301365.1); short protein forms R3315C.
Identifiers: ClinVar variation 578910 (VCV000578910.3), dbSNP rs1299376147, ClinGen allele CA344935916.